The following is an entry in ClinVar:

ClinVar aggregate classification (germline): Uncertain significance (1 of 4 stars; one submission).

Submission:

GeneDx
Classification: Uncertain significance. Last evaluated: 2023-05-10. Review status: criteria provided, single submitter. Criteria: GeneDx Variant Classification Process June 2021. Collection method: clinical testing. Allele origin: germline. Affected: yes.
Comment: Not observed at significant frequency in large population cohorts (gnomAD); In silico analysis supports a deleterious effect on splicing; Has not been previously published as pathogenic or benign to our knowledge

NM_001372044.2(SHANK3):c.1962-7C>A

Genes: SHANK3 (SH3 and multiple ankyrin repeat domains 3; plus strand), LOC126863188 (CDK7 strongly-dependent group 2 enhancer GRCh37_chr22:51142004-51143203; plus strand). Cytogenetic location: 22q13.33.
Variant type: single nucleotide variant.
Coding change: c.1962-7C>A on transcript NM_001372044.2 (MANE Select); 7 bases into the intron before coding-DNA position 1962, C replaced by A.
Molecular consequence: intron variant.
Genome position (GRCh38, 1-based): chr22:50,704,731, C>A. VCF-style: chr22-50704731-C-A. GRCh37 (hg19) VCF-style: chr22-51143159-C-A.
Identifiers: ClinVar variation 2662283 (VCV002662283.1), dbSNP rs1240001131, ClinGen allele CA2577768531.